The following is an entry in ClinVar:

ClinVar aggregate classification (germline): Uncertain significance. Review status: criteria provided, multiple submitters, no conflicts (2 of 4 stars). 3 submissions from 3 submitters: Uncertain significance (3). Last evaluated 2025-09-08.

Conditions:
Cardiovascular phenotype. Identifiers: MedGen CN230736.

Allele frequency attached by ClinVar (database versions not stated): TOPMed 0.00003.
gnomAD v4.1: 15 of 1,612,394 alleles (0.00093%); highest among the groups gnomAD compares: African/African-American, 0.004%; no homozygotes.

Submissions (3):

Women's Health and Genetics/Laboratory Corporation of America, LabCorp
Classification: Uncertain significance. Last evaluated: 2025-09-08. Review status: criteria provided, single submitter. Criteria: LabCorp Variant Classification Summary - May 2015. Collection method: clinical testing. Allele origin: germline.
Comment: Variant summary: TNXB c.6277G>A (p.Ala2093Thr) results in a non-conservative amino acid change in the encoded protein sequence. Algorithms developed to predict the effect of missense changes on protein structure and function are either unavailable or do not agree on the potential impact of this missense change. The variant allele was found at a frequency of 2e-05 in 245282 control chromosomes. The available data on variant occurrences in the general population are insufficient to allow any conclusion about variant significance. To our knowledge, no occurrence of c.6277G>A in individuals affected with TNXB-related conditions and no experimental evidence demonstrating its impact on protein function have been reported. ClinVar contains an entry for this variant (Variation ID: 1752564). Based on the evidence outlined above, the variant was classified as uncertain significance.

Mayo Clinic Laboratories, Mayo Clinic
Classification: Uncertain significance. Last evaluated: 2024-05-22. Review status: criteria provided, single submitter. Criteria: ACMG Guidelines, 2015. Collection method: clinical testing. Allele origin: germline. Observed: 1 variant allele.
Comment: BP4_strong

Ambry Genetics
Classification: Uncertain significance for Cardiovascular phenotype. Last evaluated: 2022-08-30. Review status: criteria provided, single submitter. Criteria: Ambry Variant Classification Scheme 2023. Collection method: clinical testing. Allele origin: germline.
Comment: The p.A2093T variant (also known as c.6277G>A), located in coding exon 17 of the TNXB gene, results from a G to A substitution at nucleotide position 6277. The alanine at codon 2093 is replaced by threonine, an amino acid with similar properties. This amino acid position is conserved. In addition, this alteration is predicted to be tolerated by in silico analysis. Since supporting evidence is limited at this time, the clinical significance of this alteration remains unclear.

NM_001365276.2(TNXB):c.6277G>A (p.Ala2093Thr)

Gene: TNXB (tenascin XB; minus strand). Cytogenetic location: 6p21.33.
Variant type: single nucleotide variant.
Coding change: c.6277G>A on transcript NM_001365276.2 (MANE Select); coding-DNA position 6277, G replaced by A.
Protein change: p.Ala2093Thr; replaces alanine 2093 with threonine.
Molecular consequence: missense variant.
Genome position (GRCh38, 1-based): chr6:32,067,928, C>T on the plus strand (G>A on the coding strand, the complement: TNXB is on the minus strand). VCF-style: chr6-32067928-C-T. GRCh37 (hg19) VCF-style: chr6-32035705-C-T.
Other names: p.Ala2093Thr; c.6277G>A, p.Ala2093Thr (NM_019105.8); short protein forms A2093T.
Identifiers: ClinVar variation 1752564 (VCV001752564.4), dbSNP rs768829550, ClinGen allele CA3734482.